The following is an entry in ClinVar:

ClinVar aggregate classification (germline): Uncertain significance. Review status: criteria provided, multiple submitters, no conflicts (2 of 4 stars). 2 submissions from 2 submitters: Uncertain significance (2). Last evaluated 2024-07-01.

Conditions:
GM3 synthase deficiency (SPDRS). Also called: AMISH INFANTILE EPILEPSY SYNDROME; SALT AND PEPPER DEVELOPMENTAL REGRESSION SYNDROME; SALT AND PEPPER MENTAL RETARDATION SYNDROME. Identifiers: Orphanet 171714, Orphanet 370933, MedGen C1836824, MONDO:0018274, OMIM 609056.

Submissions (2):

CeGaT Center for Human Genetics Tuebingen
Classification: Uncertain significance. Last evaluated: 2024-07-01. Review status: criteria provided, single submitter. Criteria: CeGaT Center For Human Genetics Tuebingen Variant Classification Criteria Version 2. Collection method: clinical testing. Allele origin: germline. Affected: yes. Observed: 1 variant allele.
Comment: ST3GAL5: PM2, BP4

Labcorp Genetics (formerly Invitae), Labcorp
Classification: Uncertain significance for GM3 synthase deficiency. Last evaluated: 2021-05-20. Review status: criteria provided, single submitter. Criteria: Invitae Variant Classification Sherloc (09022015). Collection method: clinical testing. Allele origin: germline.
Comment: In summary, the available evidence is currently insufficient to determine the role of this variant in disease. Therefore, it has been classified as a Variant of Uncertain Significance. Algorithms developed to predict the effect of missense changes on protein structure and function output the following: SIFT: "Deleterious"; PolyPhen-2: "Benign"; Align-GVGD: "Class C0". The asparagine amino acid residue is found in multiple mammalian species, suggesting that this missense change does not adversely affect protein function. These predictions have not been confirmed by published functional studies and their clinical significance is uncertain. This variant has not been reported in the literature in individuals with ST3GAL5-related conditions. This variant is not present in population databases (ExAC no frequency). This sequence change replaces lysine with asparagine at codon 96 of the ST3GAL5 protein (p.Lys96Asn). The lysine residue is moderately conserved and there is a moderate physicochemical difference between lysine and asparagine.

NM_003896.4(ST3GAL5):c.288A>T (p.Lys96Asn)

Gene: ST3GAL5 (ST3 beta-galactoside alpha-2,3-sialyltransferase 5; minus strand). Cytogenetic location: 2p11.2.
Variant type: single nucleotide variant.
Coding change: c.288A>T on transcript NM_003896.4 (MANE Select); coding-DNA position 288, A replaced by T.
Protein change: p.Lys96Asn; replaces lysine 96 with asparagine.
Molecular consequence: missense variant. On other transcripts: 5 prime UTR variant (5).
Genome position (GRCh38, 1-based): chr2:85,861,211, T>A on the plus strand (A>T on the coding strand, the complement: ST3GAL5 is on the minus strand). VCF-style: chr2-85861211-T-A. GRCh37 (hg19) VCF-style: chr2-86088334-T-A.
Other names: c.219A>T, p.Lys73Asn (NM_001042437.2); c.-274A>T (NM_001354223.2, NM_001354226.2); c.-337A>T (NM_001354224.2); c.204A>T, p.Lys68Asn (NM_001354227.2, NM_001354229.2, NM_001354238.1); c.-714A>T (NM_001354233.2); c.-678A>T (NM_001354234.1); c.288A>T, p.Lys96Asn (NM_001363847.1); short protein forms K68N, K73N, K96N.
Identifiers: ClinVar variation 1465828 (VCV001465828.25), dbSNP rs2104058271, ClinGen allele CA347533982.
Genomic context (GRCh38, chr2:85,861,211, plus strand): 5'-CATTTAAACCACACCAATGGGATATCTAACCTTTACATGGTCAGGGTCCACATAATGCAT[T>A]TTTTTCATGTCACATTCTTCAGTAGTATAATTTAACTTGAGGATATAAAGGATCCACACT-3'
Protein context (NP_003887.3, residues 86-106): NYTTEECDMK[Lys96Asn]MHYVDPDHVK